The following is an entry in ClinVar:

NM_201525.4(ADGRG1):c.621-1G>T

Gene: ADGRG1 (adhesion G protein-coupled receptor G1; plus strand). Cytogenetic location: 16q21.
Variant type: single nucleotide variant.
Coding change: c.621-1G>T on transcript NM_201525.4 (MANE Select); the canonical splice acceptor site of the intron before coding-DNA position 621, G replaced by T.
Molecular consequence: splice acceptor variant.
Genome position (GRCh38, 1-based): chr16:57,653,985, G>T. VCF-style: chr16-57653985-G-T. GRCh37 (hg19) VCF-style: chr16-57687897-G-T.
Other names: c.621-1G>T (NM_001370440.1, NM_001370428.1, NM_001370436.1 and 16 more transcripts); c.111-1G>T (NM_001290142.2); c.96-1G>T (NM_001370451.1, NM_001290143.2, NM_001370453.1 and 2 more transcripts); c.465-1G>T (NM_001370442.1); c.636-1G>T (NM_001370433.1, NM_001145773.3).
Identifiers: ClinVar variation 1517611 (VCV001517611.6), dbSNP rs587776624, ClinGen allele CA396046263.

ClinVar aggregate classification (germline): Likely pathogenic (1 of 4 stars; one submission).

Submission:

Labcorp Genetics (formerly Invitae), Labcorp
Classification: Likely pathogenic. Last evaluated: 2021-10-23. Review status: criteria provided, single submitter. Criteria: Invitae Variant Classification Sherloc (09022015). Collection method: clinical testing. Allele origin: germline.
Comment: This variant is not present in population databases (gnomAD no frequency). In summary, the currently available evidence indicates that the variant is pathogenic, but additional data are needed to prove that conclusively. Therefore, this variant has been classified as Likely Pathogenic. Algorithms developed to predict the effect of sequence changes on RNA splicing suggest that this variant may disrupt the consensus splice site. This variant has not been reported in the literature in individuals affected with ADGRG1-related conditions. This sequence change affects an acceptor splice site in intron 5 of the ADGRG1 gene. It is expected to disrupt RNA splicing. Variants that disrupt the donor or acceptor splice site typically lead to a loss of protein function (PMID: 16199547), and loss-of-function variants in ADGRG1 are known to be pathogenic (PMID: 15044805, 20929962).

Literature cited by the submitters: PubMed 16199547; PubMed 15044805; PubMed 20929962.